The following is an entry in ClinVar:

NM_001379500.1(COL18A1):c.32G>T (p.Arg11Leu)

Genes: BNAT1 (breast cancer associated ESR1 regulating natural antisense transcript 1; minus strand), COL18A1 (collagen type XVIII alpha 1 chain; plus strand). Cytogenetic location: 21q22.3.
Variant type: single nucleotide variant.
Coding change: c.32G>T on transcript NM_001379500.1 (MANE Select); coding-DNA position 32, G replaced by T.
Protein change: p.Arg11Leu; replaces arginine 11 with leucine.
Molecular consequence: missense variant.
Genome position (GRCh38, 1-based): chr21:45,405,399, G>T. VCF-style: chr21-45405399-G-T. GRCh37 (hg19) VCF-style: chr21-46825314-G-T.
Other names: short protein forms R11L.
Identifiers: ClinVar variation 1514027 (VCV001514027.6), dbSNP rs2123483595, ClinGen allele CA410620301.

ClinVar aggregate classification (germline): Uncertain significance (1 of 4 stars; one submission).

Submission:

Labcorp Genetics (formerly Invitae), Labcorp
Classification: Uncertain significance. Last evaluated: 2023-07-17. Review status: criteria provided, single submitter. Criteria: Invitae Variant Classification Sherloc (09022015). Collection method: clinical testing. Allele origin: germline.
Comment: In summary, the available evidence is currently insufficient to determine the role of this variant in disease. Therefore, it has been classified as a Variant of Uncertain Significance. This sequence change replaces arginine, which is basic and polar, with leucine, which is neutral and non-polar, at codon 11 of the COL18A1 protein (p.Arg11Leu). This variant is not present in population databases (gnomAD no frequency). This variant has not been reported in the literature in individuals affected with COL18A1-related conditions. ClinVar contains an entry for this variant (Variation ID: 1514027). Experimental studies and prediction algorithms are not available or were not evaluated, and the functional significance of this variant is currently unknown.